The following is an entry in ClinVar:

NM_003201.3(TFAM):c.736T>G (p.Cys246Gly)

Gene: TFAM (transcription factor A, mitochondrial; plus strand). Cytogenetic location: 10q21.1.
Variant type: single nucleotide variant.
Coding change: c.736T>G on transcript NM_003201.3 (MANE Select); coding-DNA position 736, T replaced by G.
Protein change: p.Cys246Gly; replaces cysteine 246 with glycine.
Molecular consequence: missense variant. On other transcripts: non-coding transcript variant (1).
Genome position (GRCh38, 1-based): chr10:58,395,069, T>G. VCF-style: chr10-58395069-T-G. GRCh37 (hg19) VCF-style: chr10-60154829-T-G.
Other names: c.640T>G, p.Cys214Gly (NM_001270782.2); short protein forms C246G, C214G.
Identifiers: ClinVar variation 3023186 (VCV003023186.3), dbSNP rs755120398, ClinGen allele CA5508077.

ClinVar aggregate classification (germline): Uncertain significance (1 of 4 stars; one submission).

Allele frequency attached by ClinVar (database versions not stated): ExAC 0.00002.
gnomAD v4.1: 14 of 1,612,966 alleles (0.00087%); highest among the groups gnomAD compares: Non-Finnish European, 0.0012%; no homozygotes.

Submission:

Labcorp Genetics (formerly Invitae), Labcorp
Classification: Uncertain significance. Last evaluated: 2023-02-14. Review status: criteria provided, single submitter. Criteria: Invitae Variant Classification Sherloc (09022015). Collection method: clinical testing. Allele origin: germline.
Comment: In summary, the available evidence is currently insufficient to determine the role of this variant in disease. Therefore, it has been classified as a Variant of Uncertain Significance. Algorithms developed to predict the effect of missense changes on protein structure and function (SIFT, PolyPhen-2, Align-GVGD) all suggest that this variant is likely to be tolerated. This variant has not been reported in the literature in individuals affected with TFAM-related conditions. This variant is present in population databases (rs755120398, gnomAD 0.002%). This sequence change replaces cysteine, which is neutral and slightly polar, with glycine, which is neutral and non-polar, at codon 246 of the TFAM protein (p.Cys246Gly).